The following is an entry in ClinVar:

NM_004820.5(CYP7B1):c.260G>T (p.Gly87Val)

Gene: CYP7B1 (cytochrome P450 family 7 subfamily B member 1; minus strand). Cytogenetic location: 8q12.3.
Variant type: single nucleotide variant.
Coding change: c.260G>T on transcript NM_004820.5 (MANE Select); coding-DNA position 260, G replaced by T.
Protein change: p.Gly87Val; replaces glycine 87 with valine.
Molecular consequence: missense variant.
Genome position (GRCh38, 1-based): chr8:64,616,281, C>A on the plus strand (G>T on the coding strand, the complement: CYP7B1 is on the minus strand). VCF-style: chr8-64616281-C-A. GRCh37 (hg19) VCF-style: chr8-65528838-C-A.
Other names: c.260G>T, p.Gly87Val (NM_001324112.2); short protein forms G87V.
Identifiers: ClinVar variation 120178 (VCV000120178.5), dbSNP rs587777221, ClinGen allele CA210985.

ClinVar aggregate classification (germline): Uncertain significance. Review status: criteria provided, single submitter (1 of 4 stars). 2 submissions from 2 submitters: Uncertain significance (1). 1 of the submissions does not count toward it. Last evaluated 2022-07-03.

Conditions:
Spastic paraplegia. Identifiers: MedGen C0037772, HP:0001258.
Hereditary spastic paraplegia 5A (SPG5A). Also called: SPASTIC PARAPLEGIA 5A, AUTOSOMAL RECESSIVE. Identifiers: Orphanet 100986, MedGen C1849115, MONDO:0010047, OMIM 270800.

Submissions (2):

Labcorp Genetics (formerly Invitae), Labcorp
Classification: Uncertain significance for Spastic paraplegia. Last evaluated: 2022-07-03. Review status: criteria provided, single submitter. Criteria: Invitae Variant Classification Sherloc (09022015). Collection method: clinical testing. Allele origin: germline.
Comment: In summary, the available evidence is currently insufficient to determine the role of this variant in disease. Therefore, it has been classified as a Variant of Uncertain Significance. Algorithms developed to predict the effect of missense changes on protein structure and function are either unavailable or do not agree on the potential impact of this missense change (SIFT: "Deleterious"; PolyPhen-2: "Probably Damaging"; Align-GVGD: "Class C0"). This variant is not present in population databases (gnomAD no frequency). This sequence change replaces glycine, which is neutral and non-polar, with valine, which is neutral and non-polar, at codon 87 of the CYP7B1 protein (p.Gly87Val). ClinVar contains an entry for this variant (Variation ID: 120178). This missense change has been observed in individual(s) with hereditary spastic paraplegia (PMID: 21214876).

OMIM
Classification: Pathogenic for SPASTIC PARAPLEGIA 5A, AUTOSOMAL RECESSIVE. Last evaluated: 2012-02-01. Review status: no assertion criteria provided. Collection method: literature only. Allele origin: germline. Not counted in ClinVar's aggregate classification.

Literature cited by the submitters: PubMed 21214876 (cited by Labcorp Genetics (formerly Invitae), Labcorp and OMIM).